The following is an entry in ClinVar:

NM_016363.5(GP6):c.936C>G (p.Leu312=)

Gene: GP6 (glycoprotein VI platelet; minus strand). Cytogenetic location: 19q13.42.
Variant type: single nucleotide variant.
Coding change: c.936C>G on transcript NM_016363.5 (MANE Select); coding-DNA position 936, C replaced by G.
Protein change: p.Leu312=; no amino-acid change (leucine 312 retained).
Molecular consequence: synonymous variant. On other transcripts: missense variant (1).
Genome position (GRCh38, 1-based): chr19:55,015,005, G>C on the plus strand (C>G on the coding strand, the complement: GP6 is on the minus strand). VCF-style: chr19-55015005-G-C. GRCh37 (hg19) VCF-style: chr19-55526373-G-C.
Other names: p.Pro314Ala; c.940C>G, p.Pro314Ala (LRG_560t3, NM_001083899.2); c.882C>G, p.Leu294= (NM_001256017.2, LRG_560t2); c.936C>G, p.Leu312= (LRG_560t1); short protein forms P314A.
Identifiers: ClinVar variation 257426 (VCV000257426.13), dbSNP rs2304166, ClinGen allele CA310121812.

ClinVar aggregate classification (germline): Benign. Review status: criteria provided, multiple submitters, no conflicts (2 of 4 stars). 6 submissions from 6 submitters: Benign (5). 1 of the submissions does not count toward it. Last evaluated 2026-02-04.

Conditions:
GP6-related disorder. Also called: GP6-related condition.
Platelet-type bleeding disorder 11 (BDPLT11). Also called: GLYCOPROTEIN VI DEFICIENCY; GP VI DEFICIENCY. Identifiers: Orphanet 73271, Orphanet 98885, MedGen C3280120, MONDO:0013623, OMIM 614201.

Allele frequency attached by ClinVar (database versions not stated): gnomAD 0.48130 and 0.48243; TOPMed 0.46613; 1000 Genomes Project 0.38458; ESP Exome Variant Server 0.48751; gnomAD exomes 0.51965; 1000 Genomes Project 30x 0.38445; ExAC 0.54250.

Submissions (6):

Labcorp Genetics (formerly Invitae), Labcorp
Classification: Benign. Last evaluated: 2026-02-04. Review status: criteria provided, single submitter. Criteria: Invitae Variant Classification Sherloc (09022015). Collection method: clinical testing. Allele origin: germline.

Mayo Clinic Laboratories, Mayo Clinic
Classification: Benign. Last evaluated: 2022-09-29. Review status: criteria provided, single submitter. Criteria: ACMG Guidelines, 2015. Collection method: clinical testing. Allele origin: germline. Observed: 404 variant alleles.

Genome-Nilou Lab
Classification: Benign for Platelet-type bleeding disorder 11. Last evaluated: 2021-08-10. Review status: criteria provided, single submitter. Criteria: ACMG Guidelines, 2015. Collection method: clinical testing. Allele origin: germline. Affected: no.

GeneDx
Classification: Benign. Last evaluated: 2018-11-12. Review status: criteria provided, single submitter. Criteria: GeneDx Variant Classification Process June 2021. Collection method: clinical testing. Allele origin: germline. Affected: yes.

Breakthrough Genomics
Classification: Benign. Review status: criteria provided, single submitter. Criteria: ACMG Guidelines, 2015. Collection method: not provided. Allele origin: germline. Inheritance: Autosomal recessive inheritance. Affected: yes.

PreventionGenetics, part of Exact Sciences
Classification: Benign for GP6-related condition. Last evaluated: 2020-10-27. Review status: no assertion criteria provided. Collection method: clinical testing. Allele origin: germline. Not counted in ClinVar's aggregate classification.
Comment: This variant is classified as benign based on ACMG/AMP sequence variant interpretation guidelines (Richards et al. 2015 PMID: 25741868, with internal and published modifications).